The following is an entry in ClinVar:

ClinVar aggregate classification (germline): Uncertain significance (1 of 4 stars; one submission).

Conditions:
Congenital sideroblastic anemia-B-cell immunodeficiency-periodic fever-developmental delay syndrome. Also called: Sideroblastic anemia with B-cell immunodeficiency, periodic fevers, and developmental delay. Identifiers: Orphanet 369861, MedGen C4015172, MONDO:0014487, OMIM 616084.

Allele frequency attached by ClinVar (database versions not stated): gnomAD exomes below 0.00001.
gnomAD v4.1: 2 of 1,614,066 alleles (0.00012%); highest among the groups gnomAD compares: Non-Finnish European, 0.00017%; no homozygotes.

Submission:

Labcorp Genetics (formerly Invitae), Labcorp
Classification: Uncertain significance for Congenital sideroblastic anemia-B-cell immunodeficiency-periodic fever-developmental delay syndrome. Last evaluated: 2021-06-24. Review status: criteria provided, single submitter. Criteria: Invitae Variant Classification Sherloc (09022015). Collection method: clinical testing. Allele origin: germline.
Comment: In summary, the available evidence is currently insufficient to determine the role of this variant in disease. Therefore, it has been classified as a Variant of Uncertain Significance. Algorithms developed to predict the effect of missense changes on protein structure and function (SIFT, PolyPhen-2, Align-GVGD) all suggest that this variant is likely to be tolerated, but these predictions have not been confirmed by published functional studies and their clinical significance is uncertain. This variant has not been reported in the literature in individuals with TRNT1-related conditions. This variant is not present in population databases (ExAC no frequency). This sequence change replaces leucine with proline at codon 20 of the TRNT1 protein (p.Leu20Pro). The leucine residue is weakly conserved and there is a moderate physicochemical difference between leucine and proline.

NM_182916.3(TRNT1):c.59T>C (p.Leu20Pro)

Gene: TRNT1 (tRNA nucleotidyl transferase 1; plus strand). Cytogenetic location: 3p26.2.
Variant type: single nucleotide variant.
Coding change: c.59T>C on transcript NM_182916.3 (MANE Select); coding-DNA position 59, T replaced by C.
Protein change: p.Leu20Pro; replaces leucine 20 with proline.
Molecular consequence: missense variant. On other transcripts: non-coding transcript variant (11).
Genome position (GRCh38, 1-based): chr3:3,129,099, T>C. VCF-style: chr3-3129099-T-C. GRCh37 (hg19) VCF-style: chr3-3170783-T-C.
Other names: c.59T>C, p.Leu20Pro (NM_001302946.2, NM_001367321.1, NM_001367322.1 and 1 more transcripts); short protein forms L20P.
Identifiers: ClinVar variation 1020210 (VCV001020210.5), dbSNP rs1704816332, ClinGen allele CA351442210.